The following is an entry in ClinVar:

NM_014974.3(DIP2C):c.4653T>C (p.Tyr1551=)

Gene: DIP2C (DIP2 acetate--CoA ligase C (putative); minus strand). Cytogenetic location: 10p15.3.
Variant type: single nucleotide variant.
Coding change: c.4653T>C on transcript NM_014974.3 (MANE Select); coding-DNA position 4653, T replaced by C.
Protein change: p.Tyr1551=; no amino-acid change (tyrosine 1551 retained).
Molecular consequence: synonymous variant.
Genome position (GRCh38, 1-based): chr10:277,343, A>G on the plus strand (T>C on the coding strand, the complement: DIP2C is on the minus strand). VCF-style: chr10-277343-A-G. GRCh37 (hg19) VCF-style: chr10-323283-A-G.
Other names: c.4653T>C (NM_014974.2).
Identifiers: ClinVar variation 1598742 (VCV001598742.11), dbSNP rs3740304, ClinGen allele CA5379369.
Genomic context (GRCh38, chr10:277,343, plus strand): 5'-GTCTACATCTCTAGAAAAGTCCATGGAAGCCAAGAGACGAGACTACATGTTGTAGGCCAC[A>G]TAGATGGGGTCTAGCTGGTCTGCCAAAAACCCGTCTCGCAGGTGCATGCGCTGCTTCTCC-3'
Protein context (NP_055789.1, residues 1541-1556): GFLADQLDPI[Tyr1551=]VAYNM

ClinVar aggregate classification (germline): Benign. Review status: criteria provided, multiple submitters, no conflicts (2 of 4 stars). 3 submissions from 3 submitters: Benign (2). 1 of the submissions does not count toward it. Last evaluated 2026-02-04.

Conditions:
DIP2C-related disorder. Also called: DIP2C-related condition.

Allele frequency attached by ClinVar (database versions not stated): gnomAD 0.26932 and 0.27122; ExAC 0.27043; 1000 Genomes Project 30x 0.28076; TOPMed 0.26435; ESP Exome Variant Server 0.26449; 1000 Genomes Project 0.28415; gnomAD exomes 0.26493 and 0.26503.
gnomAD v4.1: 429,256 of 1,613,930 alleles (27%); highest among the groups gnomAD compares: Middle Eastern, 36%; 58,175 homozygotes.

Submissions (3):

Labcorp Genetics (formerly Invitae), Labcorp
Classification: Benign. Last evaluated: 2026-02-04. Review status: criteria provided, single submitter. Criteria: Invitae Variant Classification Sherloc (09022015). Collection method: clinical testing. Allele origin: germline.

Breakthrough Genomics
Classification: Benign. Review status: criteria provided, single submitter. Criteria: ACMG Guidelines, 2015. Collection method: not provided. Allele origin: germline. Inheritance: Unknown mechanism. Affected: yes.

PreventionGenetics, part of Exact Sciences
Classification: Benign for DIP2C-related condition. Last evaluated: 2019-10-21. Review status: no assertion criteria provided. Collection method: clinical testing. Allele origin: germline. Not counted in ClinVar's aggregate classification.
Comment: This variant is classified as benign based on ACMG/AMP sequence variant interpretation guidelines (Richards et al. 2015 PMID: 25741868, with internal and published modifications).